The following is an entry in ClinVar:

ClinVar aggregate classification (germline): Likely benign (0 of 4 stars; one submission).

Conditions:
SPTBN5-related disorder. Also called: SPTBN5-related condition.

Allele frequency attached by ClinVar (database versions not stated): gnomAD exomes 0.00001; gnomAD 0.00004; TOPMed 0.00006; ExAC 0.00028; 1000 Genomes Project 30x 0.00031.
gnomAD v4.1: 28 of 1,591,774 alleles (0.0018%); highest among the groups gnomAD compares: East Asian, 0.048%; no homozygotes.

Submission:

PreventionGenetics, part of Exact Sciences
Classification: Likely benign for SPTBN5-related condition. Last evaluated: 2019-11-26. Review status: no assertion criteria provided. Collection method: clinical testing. Allele origin: germline.
Comment: This variant is classified as likely benign based on ACMG/AMP sequence variant interpretation guidelines (Richards et al. 2015 PMID: 25741868, with internal and published modifications).

NM_016642.4(SPTBN5):c.2659-10C>T

Gene: SPTBN5 (spectrin beta, non-erythrocytic 5; minus strand). Cytogenetic location: 15q15.1.
Variant type: single nucleotide variant.
Coding change: c.2659-10C>T on transcript NM_016642.4 (MANE Select); 10 bases into the intron before coding-DNA position 2659, C replaced by T.
Molecular consequence: intron variant.
Genome position (GRCh38, 1-based): chr15:41,880,322, G>A on the plus strand (C>T on the coding strand, the complement: SPTBN5 is on the minus strand). VCF-style: chr15-41880322-G-A. GRCh37 (hg19) VCF-style: chr15-42172520-G-A.
Identifiers: ClinVar variation 3049076 (VCV003049076.2), dbSNP rs766811621, ClinGen allele CA7503857.